The following is an entry in ClinVar:

ClinVar aggregate classification (germline): Uncertain significance (1 of 4 stars; one submission).

Conditions:
Weaver syndrome (WVS). Also called: Weaver Smith syndrome; Overgrowth syndrome with accelerated skeletal maturation, unusual facies, and camptodactyly. Identifiers: Orphanet 3447, MedGen C0265210, MONDO:0010193, OMIM 277590.

gnomAD v4.1: 1 of 1,555,662 alleles (0.000064%); no homozygotes.

Submission:

Labcorp Genetics (formerly Invitae), Labcorp
Classification: Uncertain significance for Weaver syndrome. Last evaluated: 2022-04-16. Review status: criteria provided, single submitter. Criteria: Invitae Variant Classification Sherloc (09022015). Collection method: clinical testing. Allele origin: germline.
Comment: This sequence change replaces alanine, which is neutral and non-polar, with threonine, which is neutral and polar, at codon 255 of the EZH2 protein (p.Ala255Thr). This variant is not present in population databases (gnomAD no frequency). This variant has not been reported in the literature in individuals affected with EZH2-related conditions. Advanced modeling of protein sequence and biophysical properties (such as structural, functional, and spatial information, amino acid conservation, physicochemical variation, residue mobility, and thermodynamic stability) performed at Invitae indicates that this missense variant is not expected to disrupt EZH2 protein function. In summary, the available evidence is currently insufficient to determine the role of this variant in disease. Therefore, it has been classified as a Variant of Uncertain Significance.

NM_004456.5(EZH2):c.763G>A (p.Ala255Thr)

Gene: EZH2 (enhancer of zeste 2 polycomb repressive complex 2 subunit; minus strand). Cytogenetic location: 7q36.1.
Variant type: single nucleotide variant.
Coding change: c.763G>A on transcript NM_004456.5 (MANE Select); coding-DNA position 763, G replaced by A.
Protein change: p.Ala255Thr; replaces alanine 255 with threonine.
Molecular consequence: missense variant.
Genome position (GRCh38, 1-based): chr7:148,826,598, C>T on the plus strand (G>A on the coding strand, the complement: EZH2 is on the minus strand). VCF-style: chr7-148826598-C-T. GRCh37 (hg19) VCF-style: chr7-148523690-C-T.
Other names: c.763G>A, p.Ala255Thr (NM_001203247.2); c.736G>A, p.Ala246Thr (NM_001203248.2, NM_001203249.2); c.646G>A, p.Ala216Thr (NM_152998.3); short protein forms A255T, A216T, A246T.
Identifiers: ClinVar variation 2038502 (VCV002038502.4), dbSNP rs2129475540, ClinGen allele CA369719423.